The following is an entry in ClinVar:

NM_004329.3(BMPR1A):c.1017C>G (p.Ala339=)

Gene: BMPR1A (bone morphogenetic protein receptor type 1A; plus strand). Cytogenetic location: 10q23.2.
Variant type: single nucleotide variant.
Coding change: c.1017C>G on transcript NM_004329.3 (MANE Select); coding-DNA position 1017, C replaced by G.
Protein change: p.Ala339=; no amino-acid change (alanine 339 retained).
Molecular consequence: synonymous variant.
Genome position (GRCh38, 1-based): chr10:86,919,320, C>G. VCF-style: chr10-86919320-C-G. GRCh37 (hg19) VCF-style: chr10-88679077-C-G.
Identifiers: ClinVar variation 232309 (VCV000232309.24), dbSNP rs780130011, ClinGen allele CA5585641.

ClinVar aggregate classification (germline): Benign/Likely benign. Review status: criteria provided, multiple submitters, no conflicts (2 of 4 stars). 10 submissions from 10 submitters: Benign (1); Likely benign (9). Last evaluated 2025-08-20.

Conditions:
Juvenile polyposis syndrome (JPS). Identifiers: Orphanet 2929, MedGen C0345893, MONDO:0017380, OMIM 174900.
Hereditary cancer-predisposing syndrome. Also called: Hereditary Cancer Syndrome; Neoplastic Syndromes, Hereditary; Tumor predisposition; Hereditary neoplastic syndrome. Identifiers: Orphanet 140162, MedGen C0027672, MeSH D009386, MONDO:0015356.

Allele frequency attached by ClinVar (database versions not stated): gnomAD exomes 0.00001 and 0.00002.
gnomAD v4.1: 8 of 1,613,748 alleles (0.0005%); highest among the groups gnomAD compares: Admixed American, 0.012%; no homozygotes.

Submissions (10):

Quest Diagnostics Nichols Institute San Juan Capistrano
Classification: Likely benign. Last evaluated: 2025-08-20. Review status: criteria provided, single submitter. Criteria: Quest Diagnostics criteria. Collection method: clinical testing. Allele origin: unknown.

Labcorp Genetics (formerly Invitae), Labcorp
Classification: Likely benign for Juvenile polyposis syndrome. Last evaluated: 2025-06-07. Review status: criteria provided, single submitter. Criteria: Invitae Variant Classification Sherloc (09022015). Collection method: clinical testing. Allele origin: germline.

Women's Health and Genetics/Laboratory Corporation of America, LabCorp
Classification: Likely benign. Last evaluated: 2025-03-22. Review status: criteria provided, single submitter. Criteria: LabCorp Variant Classification Summary - May 2015. Collection method: clinical testing. Allele origin: germline.

Myriad Genetics, Inc.
Classification: Benign for Juvenile polyposis syndrome. Last evaluated: 2024-08-06. Review status: criteria provided, single submitter. Criteria: Myriad Autosomal Dominant, Autosomal Recessive and X-Linked Classification Criteria (2023). Collection method: clinical testing. Allele origin: unknown.
Comment: This variant is considered benign. This variant is a silent/synonymous amino acid change and it is not expected to impact splicing.

All of Us Research Program, National Institutes of Health
Classification: Likely benign for Juvenile polyposis syndrome. Last evaluated: 2023-12-01. Review status: criteria provided, single submitter. Criteria: ACMG Guidelines, 2015. Collection method: clinical testing. Allele origin: germline. Inheritance: Autosomal dominant inheritance. Observed: 1 variant allele, 1 heterozygote.
Comment: This study involves interpretation of variants in research participants for the purpose of population health screening. Participant phenotype was not available at the time of variant classification. Additional details can be found in publication PMID: 35346344, PMCID: PMC8962531

Sema4
Classification: Likely benign for Hereditary cancer-predisposing syndrome. Last evaluated: 2021-04-03. Review status: criteria provided, single submitter. Criteria: Sema4 Curation Guidelines. Collection method: curation. Allele origin: germline.

GeneDx
Classification: Likely benign. Last evaluated: 2019-06-27. Review status: criteria provided, single submitter. Criteria: GeneDx Variant Classification Process June 2021. Collection method: clinical testing. Allele origin: germline. Affected: yes.

Color Diagnostics, LLC DBA Color Health
Classification: Likely benign for Hereditary cancer-predisposing syndrome. Last evaluated: 2018-10-30. Review status: criteria provided, single submitter. Criteria: ACMG Guidelines, 2015. Collection method: clinical testing. Allele origin: germline.

PreventionGenetics, part of Exact Sciences
Classification: Likely benign. Last evaluated: 2017-05-31. Review status: criteria provided, single submitter. Criteria: ACMG Guidelines, 2015. Collection method: clinical testing. Allele origin: germline.

Ambry Genetics
Classification: Likely benign for Hereditary cancer-predisposing syndrome. Last evaluated: 2015-06-10. Review status: criteria provided, single submitter. Criteria: Ambry Variant Classification Scheme 2023. Collection method: clinical testing. Allele origin: germline.